The following is an entry in ClinVar:

ClinVar aggregate classification (germline): Uncertain significance (1 of 4 stars; one submission).

Conditions:
Emery-Dreifuss muscular dystrophy 5, autosomal dominant (EDMD5). Also called: EMERY-DREIFUSS MUSCULAR DYSTROPHY 5. Identifiers: Orphanet 261, MedGen C2751805, MONDO:0013072, OMIM 612999.

Submission:

Labcorp Genetics (formerly Invitae), Labcorp
Classification: Uncertain significance for Emery-Dreifuss muscular dystrophy 5, autosomal dominant. Last evaluated: 2024-01-18. Review status: criteria provided, single submitter. Criteria: Invitae Variant Classification Sherloc (09022015). Collection method: clinical testing. Allele origin: germline.
Comment: This variant, c.16740_16745del, results in the deletion of 2 amino acid(s) of the SYNE2 protein (p.Thr5581_Ala5582del), but otherwise preserves the integrity of the reading frame. This variant is present in population databases (rs774818200, gnomAD 0.006%). This variant has not been reported in the literature in individuals affected with SYNE2-related conditions. Experimental studies and prediction algorithms are not available or were not evaluated, and the functional significance of this variant is currently unknown. In summary, the available evidence is currently insufficient to determine the role of this variant in disease. Therefore, it has been classified as a Variant of Uncertain Significance.

NM_182914.3(SYNE2):c.16734CACGGC[1] (p.5579TA[1])

Gene: SYNE2 (spectrin repeat containing nuclear envelope protein 2; plus strand). Cytogenetic location: 14q23.2.
Variant type: Microsatellite.
Coding change: c.16734CACGGC[1] on transcript NM_182914.3 (MANE Select); one copy of the 6-base unit CACGGC starting at c.16734; the reference has two copies in a row; one copy, 6 bases deleted.
Protein change: p.5579TA[1].
Molecular consequence: inframe deletion.
Genome position (GRCh38, 1-based): chr14:64,167,367-64,167,372, CACGGC deleted; deleting any 6 consecutive bases within chr14:64,167,358-64,167,372 gives the same sequence; the position shown is the placement nearest the transcript's 3' end. VCF-style (leftmost placement, unchanged base first): chr14-64167357-GGGCCAC-G. GRCh37 (hg19) VCF-style: chr14-64634075-GGGCCAC-G.
Other names: c.16734CACGGC[1], p.5579TA[1] (NM_015180.6).
Identifiers: ClinVar variation 2008356 (VCV002008356.4), dbSNP rs774818200, ClinGen allele CA7223467.